The following is an entry in ClinVar:

ClinVar aggregate classification (germline): Likely benign (0 of 4 stars; one submission).

Conditions:
P2RX1-related disorder. Also called: P2RX1-related condition.

gnomAD v4.1: 292 of 1,613,886 alleles (0.018%); highest among the groups gnomAD compares: African/African-American, 0.31%; no homozygotes.

Submission:

PreventionGenetics, part of Exact Sciences
Classification: Likely benign for P2RX1-related condition. Last evaluated: 2024-07-08. Review status: no assertion criteria provided. Collection method: clinical testing. Allele origin: germline.
Comment: This variant is classified as likely benign based on ACMG/AMP sequence variant interpretation guidelines (Richards et al. 2015 PMID: 25741868, with internal and published modifications).

NM_002558.4(P2RX1):c.1149C>T (p.Leu383=)

Gene: P2RX1 (purinergic receptor P2X 1; minus strand). Cytogenetic location: 17p13.2.
Variant type: single nucleotide variant.
Coding change: c.1149C>T on transcript NM_002558.4 (MANE Select); coding-DNA position 1149, C replaced by T.
Protein change: p.Leu383=; no amino-acid change (leucine 383 retained).
Molecular consequence: synonymous variant.
Genome position (GRCh38, 1-based): chr17:3,897,865, G>A on the plus strand (C>T on the coding strand, the complement: P2RX1 is on the minus strand). VCF-style: chr17-3897865-G-A. GRCh37 (hg19) VCF-style: chr17-3801159-G-A.
Identifiers: ClinVar variation 3346654 (VCV003346654.1).